The following is an entry in ClinVar:

NM_014112.5(TRPS1):c.1817C>T (p.Ser606Phe)

Gene: TRPS1 (transcriptional repressor GATA binding 1; minus strand). Cytogenetic location: 8q23.3.
Variant type: single nucleotide variant.
Coding change: c.1817C>T on transcript NM_014112.5 (MANE Select); coding-DNA position 1817, C replaced by T.
Protein change: p.Ser606Phe; replaces serine 606 with phenylalanine.
Molecular consequence: missense variant.
Genome position (GRCh38, 1-based): chr8:115,604,152, G>A on the plus strand (C>T on the coding strand, the complement: TRPS1 is on the minus strand). VCF-style: chr8-115604152-G-A. GRCh37 (hg19) VCF-style: chr8-116616379-G-A.
Other names: TRPS1 GENE; c.1790C>T, p.Ser597Phe (NM_001282902.3); c.1796C>T, p.Ser599Phe (NM_001282903.3); c.1778C>T, p.Ser593Phe (NM_001330599.2); short protein forms S593F, S597F, S599F, S606F.
Identifiers: ClinVar variation 981461 (VCV000981461.3), dbSNP rs1817974591, ClinGen allele CA372066546.

ClinVar aggregate classification (germline): Likely pathogenic (1 of 4 stars; one submission).

Conditions:
Trichorhinophalangeal dysplasia type I (TRPS1). Also called: TRICHORHINOPHALANGEAL SYNDROME, TYPE I; TRPS I. Identifiers: Orphanet 77258, MedGen C0432233, MONDO:0008596, OMIM 190350.

Submission:

Institute of Human Genetics, University of Goettingen
Classification: Likely pathogenic for Trichorhinophalangeal dysplasia type I. Last evaluated: 2020-06-05. Review status: criteria provided, single submitter. Criteria: ACMG Guidelines, 2015. Collection method: clinical testing. Allele origin: de novo. Affected: yes. Observed: 1 heterozygote.
Comment: The TRPS1 variant c.1817C>T is not found in the gnomAD database, which has most likely occurred de novo. The mutation is independently classified as disease causing mutation by two (MutationTaster, SIFT) prediction programs. Thus, we consider this variant to be likely pathogenic. ACMG criteria used for classification: PS2, PM2, PP2, BP4.